The following is an entry in ClinVar:

ClinVar aggregate classification (germline): Uncertain significance (1 of 4 stars; one submission).

Conditions:
Immunodeficiency 132A. Also called: Herpes simplex encephalitis, susceptibility to, 3. Identifiers: Orphanet 1930, MedGen C3553868, MONDO:0013920, OMIM 614849.

gnomAD v4.1: 1 of 1,608,604 alleles (0.000062%); highest among the groups gnomAD compares: South Asian, 0.0011%; no homozygotes.

Submission:

Labcorp Genetics (formerly Invitae), Labcorp
Classification: Uncertain significance for Immunodeficiency 132A. Last evaluated: 2025-10-05. Review status: criteria provided, single submitter. Criteria: Invitae Variant Classification Sherloc (09022015). Collection method: clinical testing. Allele origin: germline.
Comment: This sequence change falls in intron 6 of the TRAF3 gene. It does not directly change the encoded amino acid sequence of the TRAF3 protein. It affects a nucleotide within the consensus splice site. This variant is present in population databases (rs373815752, gnomAD 0.0009%). This variant has not been reported in the literature in individuals affected with TRAF3-related conditions. Variants that disrupt the consensus splice site are a relatively common cause of aberrant splicing (PMID: 17576681, 9536098). Algorithms developed to predict the effect of sequence changes on RNA splicing suggest that this variant is not likely to affect RNA splicing. In summary, the available evidence is currently insufficient to determine the role of this variant in disease. Therefore, it has been classified as a Variant of Uncertain Significance.

Literature cited by the submitters: PubMed 17576681; PubMed 9536098.

NM_145725.3(TRAF3):c.651+4G>A

Genes: TRAF3 (TNF receptor associated factor 3; plus strand), LOC126862065 (BRD4-independent group 4 enhancer GRCh37_chr14:103352003-103353202; plus strand). Cytogenetic location: 14q32.32.
Variant type: single nucleotide variant.
Coding change: c.651+4G>A on transcript NM_145725.3 (MANE Select); 4 bases into the intron after coding-DNA position 651, G replaced by A.
Molecular consequence: intron variant.
Genome position (GRCh38, 1-based): chr14:102,886,273, G>A. VCF-style: chr14-102886273-G-A. GRCh37 (hg19) VCF-style: chr14-103352610-G-A.
Other names: c.651+4G>A (NM_001385142.1, NM_145726.3, NM_003300.4); c.571-3287G>A (NM_001385143.1); c.570+9748G>A (NM_001199427.2).
Identifiers: ClinVar variation 4805629 (VCV004805629.1).